The following is an entry in ClinVar:

NM_001148.6(ANK2):c.6371T>C (p.Leu2124Pro)

Gene: ANK2 (ankyrin 2; plus strand). Cytogenetic location: 4q26.
Variant type: single nucleotide variant.
Coding change: c.6371T>C on transcript NM_001148.6 (MANE Select); coding-DNA position 6371, T replaced by C.
Protein change: p.Leu2124Pro; replaces leucine 2124 with proline.
Molecular consequence: missense variant. On other transcripts: intron variant (68).
Genome position (GRCh38, 1-based): chr4:113,354,989, T>C. VCF-style: chr4-113354989-T-C. GRCh37 (hg19) VCF-style: chr4-114276145-T-C.
Other names: c.6137T>C, p.Leu2046Pro (NM_001386142.1); c.2771T>C, p.Leu924Pro (NM_001386166.1); c.6512T>C, p.Leu2171Pro (NM_001386174.1); c.6488T>C, p.Leu2163Pro (NM_001386175.1); c.4411+4740T>C (NM_001386186.2, NM_001386148.2); c.4213+4740T>C (NM_001354269.3); c.4291+4740T>C (NM_001386187.2); c.4252+4740T>C (NM_001386147.1); and 35 more; short protein forms L2163P, L2171P, L2124P, L2046P, L924P.
Identifiers: ClinVar variation 1389427 (VCV001389427.8), dbSNP rs2154022300, ClinGen allele CA357923356.

ClinVar aggregate classification (germline): Uncertain significance (1 of 4 stars; one submission).

Conditions:
Long QT syndrome (LQTS). Identifiers: MedGen C0023976, MeSH D008133, MONDO:0002442. Disease mechanism: loss of function. Inheritance: Various modes of inheritance.

gnomAD v4.1: 1 of 1,614,014 alleles (0.000062%); highest among the groups gnomAD compares: Non-Finnish European, 0.000085%; no homozygotes.

Submission:

Labcorp Genetics (formerly Invitae), Labcorp
Classification: Uncertain significance for Long QT syndrome. Last evaluated: 2021-05-18. Review status: criteria provided, single submitter. Criteria: Invitae Variant Classification Sherloc (09022015). Collection method: clinical testing. Allele origin: germline.
Comment: In summary, the available evidence is currently insufficient to determine the role of this variant in disease. Therefore, it has been classified as a Variant of Uncertain Significance. Algorithms developed to predict the effect of missense changes on protein structure and function output the following: SIFT: "Tolerated"; PolyPhen-2: "Benign"; Align-GVGD: "Class C0". The proline amino acid residue is found in multiple mammalian species, suggesting that this missense change does not adversely affect protein function. These predictions have not been confirmed by published functional studies and their clinical significance is uncertain. This variant has not been reported in the literature in individuals with ANK2-related conditions. This variant is not present in population databases (ExAC no frequency). This sequence change replaces leucine with proline at codon 2124 of the ANK2 protein (p.Leu2124Pro). The leucine residue is weakly conserved and there is a moderate physicochemical difference between leucine and proline.